The following is an entry in ClinVar:

NM_000414.4(HSD17B4):c.1450A>G (p.Ile484Val)

Gene: HSD17B4 (hydroxysteroid 17-beta dehydrogenase 4; plus strand). Cytogenetic location: 5q23.1.
Variant type: single nucleotide variant.
Coding change: c.1450A>G on transcript NM_000414.4 (MANE Select); coding-DNA position 1450, A replaced by G.
Protein change: p.Ile484Val; replaces isoleucine 484 with valine.
Molecular consequence: missense variant.
Genome position (GRCh38, 1-based): chr5:119,514,993, A>G. VCF-style: chr5-119514993-A-G. GRCh37 (hg19) VCF-style: chr5-118850688-A-G.
Other names: c.1450A>G (NM_000414.3); c.1525A>G, p.Ile509Val (NM_001199291.3); c.1396A>G, p.Ile466Val (NM_001199292.2); c.1378A>G, p.Ile460Val (NM_001292027.2); c.1030A>G, p.Ile344Val (NM_001292028.2); short protein forms I484V, I509V, I344V, I460V, I466V.
Identifiers: ClinVar variation 227434 (VCV000227434.8), dbSNP rs775297352, ClinGen allele CA3382274.
Genomic context (GRCh38, chr5:119,514,993, plus strand): 5'-TAATGATAATTTGTATTTAAGATTTAACATGTAATGTCTTAATTTTAGGTAGCTGTAGCC[A>G]TACCTAATAGACCTCCTGATGCTGTACTTACAGATACCACCTCTCTTAATCAGGTAAGAT-3'
Protein context (NP_000405.1, residues 474-494): TSDKVKVAVA[Ile484Val]PNRPPDAVLT

ClinVar aggregate classification (germline): Conflicting classifications of pathogenicity. Review status: criteria provided, conflicting classifications (1 of 4 stars). 3 submissions from 3 submitters: Uncertain significance (2); Likely benign (1). Last evaluated 2025-07-05.

Conditions:
Perrault syndrome. Also called: Gonadal dysgenesis with auditory dysfunction, autosomal recessive inheritance. Identifiers: Orphanet 2855, MedGen C0685838, MONDO:0017312.
Bifunctional peroxisomal enzyme deficiency (DBIF). Also called: DBP DEFICIENCY; D-bifunctional protein deficiency; PBFE DEFICIENCY. Identifiers: Orphanet 300, MedGen C0342870, MONDO:0009855, OMIM 261515. Disease mechanism: loss of function.

Allele frequency attached by ClinVar (database versions not stated): gnomAD exomes below 0.00001; ExAC 0.00001; TOPMed 0.00001.
gnomAD v4.1: 25 of 1,555,238 alleles (0.0016%); highest among the groups gnomAD compares: Non-Finnish European, 0.0021%; no homozygotes.

Submissions (3):

GeneDx
Classification: Uncertain significance. Last evaluated: 2025-07-05. Review status: criteria provided, single submitter. Criteria: GeneDx Variant Classification Process June 2021. Collection method: clinical testing. Allele origin: germline. Affected: yes.
Comment: Not observed at significant frequency in large population cohorts (gnomAD); In silico analysis suggests that this missense variant does not alter protein structure/function; Has not been previously published as pathogenic or benign to our knowledge

Labcorp Genetics (formerly Invitae), Labcorp
Classification: Uncertain significance for Perrault syndrome; Bifunctional peroxisomal enzyme deficiency. Last evaluated: 2021-11-30. Review status: criteria provided, single submitter. Criteria: Invitae Variant Classification Sherloc (09022015). Collection method: clinical testing. Allele origin: germline.
Comment: This sequence change replaces isoleucine, which is neutral and non-polar, with valine, which is neutral and non-polar, at codon 484 of the HSD17B4 protein (p.Ile484Val). This variant is present in population databases (rs775297352, gnomAD 0.0009%). This variant has not been reported in the literature in individuals affected with HSD17B4-related conditions. ClinVar contains an entry for this variant (Variation ID: 227434). Advanced modeling of protein sequence and biophysical properties (such as structural, functional, and spatial information, amino acid conservation, physicochemical variation, residue mobility, and thermodynamic stability) performed at Invitae indicates that this missense variant is not expected to disrupt HSD17B4 protein function. Algorithms developed to predict the effect of sequence changes on RNA splicing suggest that this variant may create or strengthen a splice site. In summary, the available evidence is currently insufficient to determine the role of this variant in disease. Therefore, it has been classified as a Variant of Uncertain Significance.

Laboratory for Molecular Medicine, Mass General Brigham Personalized Medicine
Classification: Likely benign. Last evaluated: 2016-04-05. Review status: criteria provided, single submitter. Criteria: LMM Criteria. Collection method: clinical testing. Allele origin: germline. Observed: 1 variant allele.
Comment: p.Ile509Val in exon 18 of HSD17B4: This variant is not expected to have clinical significance due to a lack of conservation across species, including mammals. O f note, 18 mammals have a valine (Val) at this position despite high nearby amin o acid conservation. In addition, computational prediction tools do not suggest a high likelihood of impact to the protein. It has been identified in 1/66664 Eu ropean chromosomes by the Exome Aggregation Consortium (ExAC; dbSNP rs775297352).